The following is an entry in ClinVar:

NM_000535.7(PMS2):c.2265C>G (p.Ile755Met)

Gene: PMS2 (PMS1 homolog 2, mismatch repair system component; minus strand). Cytogenetic location: 7p22.1.
Variant type: single nucleotide variant.
Coding change: c.2265C>G on transcript NM_000535.7 (MANE Select); coding-DNA position 2265, C replaced by G.
Protein change: p.Ile755Met; replaces isoleucine 755 with methionine.
Molecular consequence: missense variant. On other transcripts: non-coding transcript variant (1), intron variant (2).
Genome position (GRCh38, 1-based): chr7:5,978,606, G>C on the plus strand (C>G on the coding strand, the complement: PMS2 is on the minus strand). VCF-style: chr7-5978606-G-C. GRCh37 (hg19) VCF-style: chr7-6018237-G-C.
Other names: c.2067C>G, p.Ile689Met (NM_001406873.1); c.2097C>G, p.Ile699Met (NM_001406874.1, NM_001406872.1); c.1956C>G, p.Ile652Met (NM_001406875.1, NM_001406877.1, NM_001406878.1 and 5 more transcripts); c.1947C>G, p.Ile649Met (NM_001406876.1, NM_001322007.2, NM_001322008.2 and 1 more transcripts); c.1860C>G, p.Ile620Met (NM_001406892.1, NM_001406893.1, NM_001406894.1 and 14 more transcripts); c.1800C>G, p.Ile600Met (NM_001406900.1); c.1791C>G, p.Ile597Met (NM_001406901.1, NM_001406902.1); c.2109C>G, p.Ile703Met (NM_001322006.2, NM_001406870.1); and 16 more; short protein forms I354M, I498M, I584M, I593M, I620M, I643M, I703M, I600M.
Identifiers: ClinVar variation 3713763 (VCV003713763.2).

ClinVar aggregate classification (germline): Uncertain significance (1 of 4 stars; one submission).

Conditions:
Hereditary nonpolyposis colorectal neoplasms. Identifiers: MedGen C0009405, MeSH D003123.

Submission:

Labcorp Genetics (formerly Invitae), Labcorp
Classification: Uncertain significance for Hereditary nonpolyposis colorectal neoplasms. Last evaluated: 2024-05-10. Review status: criteria provided, single submitter. Criteria: Invitae Variant Classification Sherloc (09022015). Collection method: clinical testing. Allele origin: germline.
Comment: This sequence change replaces isoleucine, which is neutral and non-polar, with methionine, which is neutral and non-polar, at codon 755 of the PMS2 protein (p.Ile755Met). The frequency data for this variant in the population databases (gnomAD) is considered unreliable due to the presence of homologous sequence, such as pseudogenes or paralogs, in the genome. This variant has not been reported in the literature in individuals affected with PMS2-related conditions. Advanced modeling of protein sequence and biophysical properties (such as structural, functional, and spatial information, amino acid conservation, physicochemical variation, residue mobility, and thermodynamic stability) performed at Invitae indicates that this missense variant is expected to disrupt PMS2 protein function with a positive predictive value of 80%. In summary, the available evidence is currently insufficient to determine the role of this variant in disease. Therefore, it has been classified as a Variant of Uncertain Significance.